The following is an entry in ClinVar:

ClinVar aggregate classification (germline): Uncertain significance (1 of 4 stars; one submission).

Allele frequency attached by ClinVar (database versions not stated): gnomAD exomes below 0.00001; gnomAD 0.00001.
gnomAD v4.1: 7 of 1,606,862 alleles (0.00044%); highest among the groups gnomAD compares: Non-Finnish European, 0.0006%; no homozygotes.

Submission:

Labcorp Genetics (formerly Invitae), Labcorp
Classification: Uncertain significance. Last evaluated: 2022-05-07. Review status: criteria provided, single submitter. Criteria: Invitae Variant Classification Sherloc (09022015). Collection method: clinical testing. Allele origin: germline.
Comment: This variant has not been reported in the literature in individuals affected with MACF1-related conditions. This variant is present in population databases (no rsID available, gnomAD 0.002%). This sequence change replaces asparagine, which is neutral and polar, with lysine, which is basic and polar, at codon 1527 of the MACF1 protein (p.Asn1527Lys). Algorithms developed to predict the effect of missense changes on protein structure and function (SIFT, PolyPhen-2, Align-GVGD) all suggest that this variant is likely to be tolerated. In summary, the available evidence is currently insufficient to determine the role of this variant in disease. Therefore, it has been classified as a Variant of Uncertain Significance.

NM_001394062.1(MACF1):c.4566T>G (p.Asn1522Lys)

Gene: MACF1 (microtubule actin crosslinking factor 1; plus strand). Cytogenetic location: 1p34.3.
Variant type: single nucleotide variant.
Coding change: c.4566T>G on transcript NM_001394062.1 (MANE Select); coding-DNA position 4566, T replaced by G.
Protein change: p.Asn1522Lys; replaces asparagine 1522 with lysine.
Molecular consequence: missense variant.
Genome position (GRCh38, 1-based): chr1:39,327,305, T>G. VCF-style: chr1-39327305-T-G. GRCh37 (hg19) VCF-style: chr1-39792977-T-G.
Other names: c.4581T>G, p.Asn1527Lys (NM_012090.5); short protein forms N1522K, N1527K.
Identifiers: ClinVar variation 2135189 (VCV002135189.4), dbSNP rs888838976, ClinGen allele CA20903034.
Genomic context (GRCh38, chr1:39,327,305, plus strand): 5'-ATCTGAGCAATTGAATGCCCTAAACAAGGCTTACCATGACCTTTGTGATGGTTCTGCAAA[T>G]CAGCTTCAGCAGCTTCAGAGCCAGTTGGCTCACCAGACAGAACAAAAGGTACTTTTAGTT-3'
Protein context (NP_001380991.1, residues 1512-1532): AYHDLCDGSA[Asn1522Lys]QLQQLQSQLA